The following is an entry in ClinVar:

ClinVar aggregate classification (germline): Benign. Review status: criteria provided, multiple submitters, no conflicts (2 of 4 stars). 4 submissions from 4 submitters: Benign (3). 1 of the submissions does not count toward it. Last evaluated 2026-01-26.

Conditions:
Kindler syndrome (KNDLRS). Also called: BULLOUS ACROKERATOTIC POIKILODERMA OF KINDLER AND WEARY; POIKILODERMA, CONGENITAL, WITH BULLAE, WEARY TYPE; POIKILODERMA, HEREDITARY ACROKERATOTIC; Kindler's syndrome; Hereditary acrokeratotic poikiloderma of Weary; Poikiloderma of Kindler. Identifiers: Orphanet 2908, Orphanet 306539, MedGen C0406557, MONDO:0008260, OMIM 173650.
FERMT1-related disorder. Also called: FERMT1-related condition.

Allele frequency attached by ClinVar (database versions not stated): gnomAD exomes 0.00040 and 0.00119; ExAC 0.00136; 1000 Genomes Project 30x 0.00375; 1000 Genomes Project 0.00439; ESP Exome Variant Server 0.00600; gnomAD 0.00465 and 0.00502; TOPMed 0.00544.
gnomAD v4.1: 1,309 of 1,614,144 alleles (0.081%); highest among the groups gnomAD compares: African/African-American, 1.6%; 11 homozygotes.

Submissions (4):

Labcorp Genetics (formerly Invitae), Labcorp
Classification: Benign. Last evaluated: 2026-01-26. Review status: criteria provided, single submitter. Criteria: Invitae Variant Classification Sherloc (09022015). Collection method: clinical testing. Allele origin: germline.

Illumina Laboratory Services, Illumina
Classification: Benign for Kindler syndrome. Last evaluated: 2018-01-12. Review status: criteria provided, single submitter. Criteria: ICSL Variant Classification Criteria 13 December 2019. Collection method: clinical testing. Allele origin: germline.
Comment: This variant was observed in the ICSL laboratory as part of a predisposition screen in an ostensibly healthy population. It had not been previously curated by ICSL or reported in the Human Gene Mutation Database (HGMD: prior to June 1st, 2018), and was therefore a candidate for classification through an automated scoring system. Utilizing variant allele frequency, disease prevalence and penetrance estimates, and inheritance mode, an automated score was calculated to assess if this variant is too frequent to cause the disease. Based on the score and internal cut-off values, a variant classified as benign is not then subjected to further curation. The score for this variant resulted in a classification of benign for this disease.

Breakthrough Genomics
Classification: Benign. Review status: criteria provided, single submitter. Criteria: ACMG Guidelines, 2015. Collection method: not provided. Allele origin: germline. Inheritance: Autosomal recessive inheritance. Affected: yes.

PreventionGenetics, part of Exact Sciences
Classification: Benign for FERMT1-related condition. Last evaluated: 2019-06-17. Review status: no assertion criteria provided. Collection method: clinical testing. Allele origin: germline. Not counted in ClinVar's aggregate classification.
Comment: This variant is classified as benign based on ACMG/AMP sequence variant interpretation guidelines (Richards et al. 2015 PMID: 25741868, with internal and published modifications).

NM_017671.5(FERMT1):c.51C>T (p.Arg17=)

Gene: FERMT1 (FERM domain containing kindlin 1; minus strand). Cytogenetic location: 20p12.3.
Variant type: single nucleotide variant.
Coding change: c.51C>T on transcript NM_017671.5 (MANE Select); coding-DNA position 51, C replaced by T.
Protein change: p.Arg17=; no amino-acid change (arginine 17 retained).
Molecular consequence: synonymous variant.
Genome position (GRCh38, 1-based): chr20:6,119,504, G>A on the plus strand (C>T on the coding strand, the complement: FERMT1 is on the minus strand). VCF-style: chr20-6119504-G-A. GRCh37 (hg19) VCF-style: chr20-6100151-G-A.
Identifiers: ClinVar variation 711755 (VCV000711755.17), dbSNP rs147105196, ClinGen allele CA9758560.
Genomic context (GRCh38, chr20:6,119,504, plus strand): 5'-AAGGTCTCCAGATACTCTCAGTGTGACGTCTTTCTGCTGCTCTTCATTGGGATGGTCAAC[G>A]CGGACCACAAGCTCCCAGGAAGCAAATGTAAAGTCAGTGGATGACAGCATTGTGGCAAAT-3'
Protein context (NP_060141.3, residues 7-27): FTFASWELVV[Arg17=]VDHPNEEQQK